The following is an entry in ClinVar:

NM_020822.3(KCNT1):c.1200+130T>C

Gene: KCNT1 (potassium sodium-activated channel subfamily T member 1; plus strand). Cytogenetic location: 9q34.3.
Variant type: single nucleotide variant.
Coding change: c.1200+130T>C on transcript NM_020822.3 (MANE Select); 130 bases into the intron after coding-DNA position 1200, T replaced by C.
Molecular consequence: intron variant.
Genome position (GRCh38, 1-based): chr9:135,765,325, T>C. VCF-style: chr9-135765325-T-C. GRCh37 (hg19) VCF-style: chr9-138657171-T-C.
Other names: c.1065+130T>C (NM_001272003.2).
Identifiers: ClinVar variation 682105 (VCV000682105.1), dbSNP rs59741818, ClinGen allele CA16376450.

ClinVar aggregate classification (germline): Benign (1 of 4 stars; one submission).

Allele frequency attached by ClinVar (database versions not stated): gnomAD exomes 0.18829; 1000 Genomes Project 0.20727; 1000 Genomes Project 30x 0.20987; gnomAD 0.22559 and 0.22879; TOPMed 0.23685.
gnomAD v4.1: 162,805 of 831,684 alleles (20%); highest among the groups gnomAD compares: Middle Eastern, 29%; 19,052 homozygotes.

Submission:

GeneDx
Classification: Benign. Last evaluated: 2018-06-14. Review status: criteria provided, single submitter. Criteria: GeneDx Variant Classification (06012015). Collection method: clinical testing. Allele origin: germline. Affected: yes.
Comment: This variant is considered likely benign or benign based on one or more of the following criteria: it is a conservative change, it occurs at a poorly conserved position in the protein, it is predicted to be benign by multiple in silico algorithms, and/or has population frequency not consistent with disease.